The following is an entry in ClinVar:

NM_000540.3(RYR1):c.7361G>A (p.Arg2454His)

Gene: RYR1 (ryanodine receptor 1; plus strand). Cytogenetic location: 19q13.2.
Variant type: single nucleotide variant.
Coding change: c.7361G>A on transcript NM_000540.3 (MANE Select); coding-DNA position 7361, G replaced by A.
Protein change: p.Arg2454His; replaces arginine 2454 with histidine.
Molecular consequence: missense variant.
Genome position (GRCh38, 1-based): chr19:38,500,643, G>A. VCF-style: chr19-38500643-G-A. GRCh37 (hg19) VCF-style: chr19-38991283-G-A.
Other names: NM_000540.3(RYR1):c.7361G>A; c.7361G>A, p.Arg2454His (NM_001042723.2); short protein forms R2454H.
Identifiers: ClinVar variation 65980 (VCV000065980.87), dbSNP rs118192122, ClinGen allele CA024781.

ClinVar aggregate classification (germline): Pathogenic; drug response. Review status: reviewed by expert panel (3 of 4 stars). 27 submissions from 21 submitters: Pathogenic (1). 19 of the submissions do not count toward it. Last evaluated 2021-03-24.

Conditions:
Congenital multicore myopathy with external ophthalmoplegia (CMYO1B). Also called: Congenital myopathy 1B, autosomal recessive; Minicore myopathy; MULTICORE MYOPATHY; Minicore myopathy with external ophthalmoplegia; MULTIMINICORE DISEASE WITH EXTERNAL OPHTHALMOPLEGIA. Identifiers: Orphanet 598, Orphanet 98905, MedGen C1850674, MONDO:0009712, OMIM 255320, HP:0003789.
King Denborough syndrome (KDS). Identifiers: MedGen C1840365, MONDO:0020485, OMIM 619542.
Central core myopathy (CMYO1A). Also called: CONGENITAL MYOPATHY 1A, AUTOSOMAL DOMINANT, WITH SUSCEPTIBILITY TO MALIGNANT HYPERTHERMIA; Central core disease; Myopathy, central fibrillar. Identifiers: Orphanet 597, MedGen C5830701, MONDO:0007294, OMIM 117000.
Malignant hyperthermia, susceptibility to, 1 (MHS1). Also called: Malignant hyperthermia suceptibility 1; RYR1-Related Malignant Hyperthermia Susceptibility; Anesthesia related hyperthermia; Malignant hyperpyrexia; Fulminating hyperpyrexia; Pharmacogenic myopathy. Identifiers: Orphanet 423, MedGen C2930980, MONDO:0007783, OMIM 145600.
RYR1-related disorder. Also called: RYR1-related condition; RYR1-related disorders. Identifiers: MedGen CN239331.
Malignant hyperthermia of anesthesia. Also called: Anesthesic-triggered malignant hyperthermia. Identifiers: Orphanet 423, MedGen C0024591, MONDO:0018493, HP:0034733.
desflurane response - Toxicity.
enflurane response - Toxicity.
halothane response - Toxicity.
isoflurane response - Toxicity.
methoxyflurane response - Toxicity.
sevoflurane response - Toxicity.
succinylcholine response - Toxicity.

Allele frequency attached by ClinVar (database versions not stated): gnomAD exomes 0.00001; ExAC 0.00001.
gnomAD v4.1: 10 of 1,613,754 alleles (0.00062%); highest among the groups gnomAD compares: Middle Eastern, 0.017%; no homozygotes.

Submissions 1 to 10 of 27:

ClinPGx
Classification: drug response for desflurane response - Toxicity. Last evaluated: 2021-03-24. Review status: reviewed by expert panel. Criteria: Pharmacogenomics knowledge for personalized medicine. Collection method: curation. Allele origin: germline. Affected: yes.
Comment: PharmGKB Level of Evidence 1A: Level 1A clinical annotations describe variant-drug combinations that have variant-specific prescribing guidance available in a current clinical guideline annotation or an FDA-approved drug label annotation. Annotations of drug labels or clinical guidelines must give prescribing guidance for specific variants (e.g. CYP2C9*3, HLA-B*57:01) or provide mapping from defined allele functions to diplotypes and phenotypes to be used as supporting evidence for a level 1A clinical annotation. Level 1A clinical annotations must also be supported by at least one publication in addition to a clinical guideline or drug label with variant-specific prescribing guidance.

Drug is not necessarily used to treat response condition

ClinPGx
Classification: drug response for enflurane response - Toxicity. Last evaluated: 2021-03-24. Review status: reviewed by expert panel. Criteria: Pharmacogenomics knowledge for personalized medicine. Collection method: curation. Allele origin: germline. Affected: yes.
Comment: the same text as in the submission from ClinPGx above.

ClinPGx
Classification: drug response for halothane response - Toxicity. Last evaluated: 2021-03-24. Review status: reviewed by expert panel. Criteria: Pharmacogenomics knowledge for personalized medicine. Collection method: curation. Allele origin: germline. Affected: yes.
Comment: the same text as in the submission from ClinPGx above.

ClinPGx
Classification: drug response for isoflurane response - Toxicity. Last evaluated: 2021-03-24. Review status: reviewed by expert panel. Criteria: Pharmacogenomics knowledge for personalized medicine. Collection method: curation. Allele origin: germline. Affected: yes.
Comment: the same text as in the submission from ClinPGx above.

ClinPGx
Classification: drug response for methoxyflurane response - Toxicity. Last evaluated: 2021-03-24. Review status: reviewed by expert panel. Criteria: Pharmacogenomics knowledge for personalized medicine. Collection method: curation. Allele origin: germline. Affected: yes.
Comment: the same text as in the submission from ClinPGx above.

ClinPGx
Classification: drug response for sevoflurane response - Toxicity. Last evaluated: 2021-03-24. Review status: reviewed by expert panel. Criteria: Pharmacogenomics knowledge for personalized medicine. Collection method: curation. Allele origin: germline. Affected: yes.
Comment: the same text as in the submission from ClinPGx above.

ClinPGx
Classification: drug response for succinylcholine response - Toxicity. Last evaluated: 2021-03-24. Review status: reviewed by expert panel. Criteria: Pharmacogenomics knowledge for personalized medicine. Collection method: curation. Allele origin: germline. Affected: yes.
Comment: the same text as in the submission from ClinPGx above.

ClinGen Malignant Hyperthermia Susceptibility Variant Curation Expert Panel, ClinGen
Classification: Pathogenic for Malignant hyperthermia, susceptibility to, 1. Last evaluated: 2021-03-19. Review status: reviewed by expert panel. Criteria: ClinGen MHS ACMG Specifications V2. Collection method: curation. Allele origin: germline. Inheritance: Autosomal dominant inheritance.
Comment: This pathogenicity assessment is relevant only for malignant hyperthermia susceptibility (MHS) inherited in an autosomal dominant pattern. Variants in RYR1 can also cause other myopathies inherited in an autosomal dominant pattern or in an autosomal recessive pattern. Some of these disorders may predispose individuals to malignant hyperthermia. RYR1 variants may also contribute to a malignant hyperthermia reaction in combination with other genetic and non-genetic factors and the clinician needs to consider such factors in making management decisions. This sequence variant predicts a substitution of arginine with histidine at codon 2454 of the RYR1 protein, p.(Arg2454His). The maximum allele frequency for this variant among the six major gnomAD populations is AFR: 0.000062, a frequency consistent with pathogenicity for MHS. This variant has been reported in 34 unrelated individuals who have a personal or family history of a malignant hyperthermia reaction, all of these individuals had a positive in vitro contracture test (IVCT) or caffeine halothane contracture test (CHCT) result (if the proband was unavailable for testing, a positive diagnostic test result in a mutation-positive relative was counted, PS4 (PMID: 30236257, 12059893, 16163667, 24433488, 11575529, 10051009, 10823104, 17081152, 20618998, 21455645, 23460944, 23558838, 25960145). This variant has been identified in an individual with a negative IVCT/CHCT result, BS2_Moderate (PMID: 30236257). Functional studies in HEK293 cells show an increased sensitivity to RYR1 agonists, PS3_Moderate (PMID: 27586648). An ex vivo assay in patient derived immortalized lymphoblastoid cells also shows an increased sensitivity to RYR1 agonists (PMID: 19191333). This variant resides in a region of RYR1 considered to be a hotspot for pathogenic variants that contribute to MHS, PM1 (PMID: 21118704). This variant segregates with MHS in at least 11 individuals/families PP1_Strong (PMID: 12059893, 10051009). A REVEL score >0.85 (0.923) supports a pathogenic status for this variant, PP3_Moderate. Based on using Bayes to combine criteria this variant is assessed as Pathogenic, (PMID: 29300386). Criteria implemented: PS3_Moderate, PS4, PM1, PP1_Strong, PP3_Moderate, BS2_Moderate.

Labcorp Genetics (formerly Invitae), Labcorp
Classification: Pathogenic for RYR1-related disorder. Last evaluated: 2025-12-16. Review status: criteria provided, single submitter. Criteria: Invitae Variant Classification Sherloc (09022015). Collection method: clinical testing. Allele origin: germline. Not counted in ClinVar's aggregate classification.
Comment: This sequence change replaces arginine, which is basic and polar, with histidine, which is basic and polar, at codon 2454 of the RYR1 protein (p.Arg2454His). This variant is present in population databases (rs118192122, gnomAD 0.007%). This missense change has been observed in individuals with malignant hyperthermia susceptibility (MHS) (PMID: 10051009, 12059893, 19191333, 19648156). It has also been observed to segregate with disease in related individuals. ClinVar contains an entry for this variant (Variation ID: 65980). Invitae Evidence Modeling of protein sequence and biophysical properties (such as structural, functional, and spatial information, amino acid conservation, physicochemical variation, residue mobility, and thermodynamic stability) indicates that this missense variant is expected to disrupt RYR1 protein function with a positive predictive value of 80%. Experimental studies have shown that this missense change affects RYR1 function (PMID: 19191333, 19648156). This variant disrupts the p.Arg2454 amino acid residue in RYR1. Other variant(s) that disrupt this residue have been determined to be pathogenic (PMID: 10612851, 12411788, 16163667). This suggests that this residue is clinically significant, and that variants that disrupt this residue are likely to be disease-causing. For these reasons, this variant has been classified as Pathogenic.

Athena Diagnostics
Classification: Pathogenic. Last evaluated: 2025-07-31. Review status: criteria provided, single submitter. Criteria: Athena Diagnostics Criteria. Collection method: clinical testing. Allele origin: unknown. Not counted in ClinVar's aggregate classification.
Comment: The frequency of this variant in the general population is consistent with pathogenicity. This variant has been identified in multiple unrelated individuals with malignant hyperthermia. Assessment of experimental evidence suggests this variant results in abnormal protein function. (PMID: 16163667, 27586648, 28687594) At least one other missense variant at this codon is considered to be pathogenic or likely pathogenic, suggesting this variant may also cause disease.